The following is an entry in ClinVar:

NM_182961.4(SYNE1):c.13094C>A (p.Pro4365His)

Gene: SYNE1 (spectrin repeat containing nuclear envelope protein 1; minus strand). Cytogenetic location: 6q25.2.
Variant type: single nucleotide variant.
Coding change: c.13094C>A on transcript NM_182961.4 (MANE Select); coding-DNA position 13094, C replaced by A.
Protein change: p.Pro4365His; replaces proline 4365 with histidine.
Molecular consequence: missense variant.
Genome position (GRCh38, 1-based): chr6:152,331,591, G>T on the plus strand (C>A on the coding strand, the complement: SYNE1 is on the minus strand). VCF-style: chr6-152331591-G-T. GRCh37 (hg19) VCF-style: chr6-152652726-G-T.
Other names: c.12881C>A, p.Pro4294His (NM_033071.5); short protein forms P4294H, P4365H.
Identifiers: ClinVar variation 502079 (VCV000502079.7), dbSNP rs779970152, ClinGen allele CA4056251.

ClinVar aggregate classification (germline): Uncertain significance. Review status: criteria provided, multiple submitters, no conflicts (2 of 4 stars). 2 submissions from 2 submitters: Uncertain significance (2). Last evaluated 2022-08-20.

Conditions:
Emery-Dreifuss muscular dystrophy 4, autosomal dominant (EDMD4). Also called: EMERY-DREIFUSS MUSCULAR DYSTROPHY 4 WITH VARIABLE FEATURES. Identifiers: Orphanet 261, MedGen C2751807, MONDO:0013071, OMIM 612998.
Autosomal recessive ataxia, Beauce type. Also called: SYNE1 Deficiency; Spinocerebellar ataxia, autosomal recessive 8; ATAXIA, RECESSIVE, OF BEAUCE; SYNE1-Related Autosomal Recessive Cerebellar Ataxia. Identifiers: Orphanet 88644, MedGen C1853116, MONDO:0012549, OMIM 610743.

Allele frequency attached by ClinVar (database versions not stated): ExAC 0.00001; gnomAD 0.00001.
gnomAD v4.1: 4 of 1,614,020 alleles (0.00025%); highest among the groups gnomAD compares: Admixed American, 0.0067%; no homozygotes.

Submissions (2):

Labcorp Genetics (formerly Invitae), Labcorp
Classification: Uncertain significance for Emery-Dreifuss muscular dystrophy 4, autosomal dominant; Autosomal recessive ataxia, Beauce type. Last evaluated: 2022-08-20. Review status: criteria provided, single submitter. Criteria: Invitae Variant Classification Sherloc (09022015). Collection method: clinical testing. Allele origin: germline.
Comment: This sequence change replaces proline, which is neutral and non-polar, with histidine, which is basic and polar, at codon 4294 of the SYNE1 protein (p.Pro4294His). This variant is present in population databases (rs779970152, gnomAD 0.01%). This variant has not been reported in the literature in individuals affected with SYNE1-related conditions. ClinVar contains an entry for this variant (Variation ID: 502079). Algorithms developed to predict the effect of missense changes on protein structure and function (SIFT, PolyPhen-2, Align-GVGD) all suggest that this variant is likely to be disruptive. In summary, the available evidence is currently insufficient to determine the role of this variant in disease. Therefore, it has been classified as a Variant of Uncertain Significance.

Eurofins Ntd Llc (ga)
Classification: Uncertain significance. Last evaluated: 2017-05-24. Review status: criteria provided, single submitter. Criteria: EGL Classification Definitions 2015. Collection method: clinical testing. Allele origin: germline. Observed: 1 variant allele, 1 heterozygote.